The following is an entry in ClinVar:

ClinVar aggregate classification (germline): Uncertain significance (1 of 4 stars; one submission).

Conditions:
COG5-congenital disorder of glycosylation. Also called: CONGENITAL DISORDER OF GLYCOSYLATION, TYPE IIi; CDG IIi; COG5-CDG. Identifiers: Orphanet 263487, MedGen C3150876, MONDO:0013325, OMIM 613612.

gnomAD v4.1: 24 of 1,612,894 alleles (0.0015%); highest among the groups gnomAD compares: Non-Finnish European, 0.002%; no homozygotes.

Submission:

Labcorp Genetics (formerly Invitae), Labcorp
Classification: Uncertain significance for COG5-congenital disorder of glycosylation. Last evaluated: 2021-04-16. Review status: criteria provided, single submitter. Criteria: Invitae Variant Classification Sherloc (09022015). Collection method: clinical testing. Allele origin: germline.
Comment: This sequence change replaces glycine with valine at codon 250 of the COG5 protein (p.Gly250Val). The glycine residue is highly conserved and there is a moderate physicochemical difference between glycine and valine. This variant is present in population databases (rs760642504, ExAC 0.003%). This variant has not been reported in the literature in individuals with COG5-related conditions. Algorithms developed to predict the effect of missense changes on protein structure and function (SIFT, PolyPhen-2, Align-GVGD) all suggest that this variant is likely to be disruptive, but these predictions have not been confirmed by published functional studies and their clinical significance is uncertain. Algorithms developed to predict the effect of sequence changes on RNA splicing suggest that this variant may create or strengthen a splice site, but this prediction has not been confirmed by published transcriptional studies. In summary, the available evidence is currently insufficient to determine the role of this variant in disease. Therefore, it has been classified as a Variant of Uncertain Significance.

NM_006348.5(COG5):c.656G>T (p.Gly219Val)

Gene: COG5 (component of oligomeric golgi complex 5; minus strand). Cytogenetic location: 7q22.3.
Variant type: single nucleotide variant.
Coding change: c.656G>T on transcript NM_006348.5 (MANE Select); coding-DNA position 656, G replaced by T.
Protein change: p.Gly219Val; replaces glycine 219 with valine.
Molecular consequence: missense variant. On other transcripts: intron variant (2).
Genome position (GRCh38, 1-based): chr7:107,412,515, C>A on the plus strand (G>T on the coding strand, the complement: COG5 is on the minus strand). VCF-style: chr7-107412515-C-A. GRCh37 (hg19) VCF-style: chr7-107052960-C-A.
Other names: c.656G>T, p.Gly219Val (NM_001161520.2, NM_001379511.1, NM_001379512.1 and 3 more transcripts); c.235-50405G>T (NM_001379516.1); c.539-114169G>T (NM_001379515.1); short protein forms G219V.
Identifiers: ClinVar variation 1491108 (VCV001491108.8), dbSNP rs760642504, ClinGen allele CA4431165.